The following is an entry in ClinVar:

NM_000350.3(ABCA4):c.2453G>A (p.Gly818Glu)

Gene: ABCA4 (ATP binding cassette subfamily A member 4; minus strand). Cytogenetic location: 1p22.1.
Variant type: single nucleotide variant.
Coding change: c.2453G>A on transcript NM_000350.3 (MANE Select); coding-DNA position 2453, G replaced by A.
Protein change: p.Gly818Glu; replaces glycine 818 with glutamic acid.
Molecular consequence: missense variant.
Genome position (GRCh38, 1-based): chr1:94,055,245, C>T on the plus strand (G>A on the coding strand, the complement: ABCA4 is on the minus strand). VCF-style: chr1-94055245-C-T. GRCh37 (hg19) VCF-style: chr1-94520801-C-T.
Other names: NM_000350.3(ABCA4):c.2453G>A; c.2231G>A, p.Gly744Glu (NM_001425324.1); short protein forms G818E, G744E.
Identifiers: ClinVar variation 99135 (VCV000099135.21), dbSNP rs61750202, ClinGen allele CA227000.

ClinVar aggregate classification (germline): Pathogenic. Review status: reviewed by expert panel (3 of 4 stars). 9 submissions from 9 submitters: Pathogenic (1). 8 of the submissions do not count toward it. Last evaluated 2025-12-05.

Conditions:
ABCA4-related retinopathy. Also called: ABCA4-related retinoapthy; ABCA4 retinoapthy. Identifiers: MedGen CN322612, MONDO:0800406.
ABCA4-related disorder. Also called: ABCA4-related condition; ABCA4-related disorders. Identifiers: MedGen CN239167.
Stargardt disease (FFM). Also called: Stargardt's disease; Fundus flavimaculatus. Identifiers: Orphanet 827, MedGen C0271093, MONDO:0019353.

Allele frequency attached by ClinVar (database versions not stated): gnomAD 0.00002 and 0.00006; TOPMed 0.00002; gnomAD exomes 0.00004 and 0.00021; ExAC 0.00020.
gnomAD v4.1: 67 of 1,614,030 alleles (0.0042%); highest among the groups gnomAD compares: Admixed American, 0.11%; no homozygotes.

Submissions (9):

ClinGen ABCA4 Variant Curation Expert Panel, Clingen
Classification: Pathogenic for ABCA4-related retinopathy. Last evaluated: 2025-12-05. Review status: reviewed by expert panel. Criteria: ClinGen ABCA4 ACMG Specifications V1.0.0. Collection method: curation. Allele origin: germline. Inheritance: Autosomal recessive inheritance.
Comment: The NM_000350.3(ABCA4):c.2453G>A variant in ABCA4 is a missense variant predicted to cause substitution of glycine by glutamic acid at amino acid 818 (p.Gly818Glu). The total minor allele frequency in gnomAD v4.1.0 is 0.00004151 (67/1614030 alleles), which is lower than the ClinGen ABCA4 VCEP’s threshold for PM2_Supporting (<0.0001). The computational predictor REVEL gives a score of 0.937 which is above the threshold of >0.772, evidence that predicts a damaging effect on ABCA4 function (PP3_Moderate). The prevalence of the variant in affected individuals is significantly increased compared with the prevalence in controls with an OR = 12.7 and the CI is 5.89-27.63, which is above the ABCA4 VCEP threshold of >5, where the CI does not contain 1 (PS4; PMID: 35120629). This variant has been detected in multiple individuals with ABCA4-related retinopathy. Of those individuals, 1 was compound heterozygous for the variant and a pathogenic variant ([A1038V;L541P]) that was not confirmed in trans (PMID: 19074458), and another individual was homozygous for the variant (PM3; PMID: 23419329). ABCA4 expression in HEK293 cells showed a reduction to 40%-52% of wild-type ABCA4 and ATPase activity was 63 ± 5% compared to wild-type indicating that this variant impacts protein function (PS3_Supporting; PMID:33375396). In summary, this variant meets the criteria to be classified as pathogenic for ABCA4-related retinopathy based on the ACMG/AMP criteria applied, as specified by the ClinGen ABCA4 VCEP (Specification Version 1.0): PS4, PM3, PP3_Moderate, PM2_Supporting, PS3_Supporting.

PreventionGenetics, part of Exact Sciences
Classification: Likely pathogenic for ABCA4-related condition. Last evaluated: 2026-08-17. Review status: criteria provided, single submitter. Criteria: ACMG Guidelines, 2015. Collection method: clinical testing. Allele origin: germline. Not counted in ClinVar's aggregate classification.
Comment: The ABCA4 c.2453G>A variant is predicted to result in the amino acid substitution p.Gly818Glu. This variant has been reported, in the homozygous state or in the heterozygous state along with a second ABCA4 variant, in several individuals with ABCA4-related conditions (Chacón-Camacho et al. 2013. PubMed ID: 23419329; Table S1, Lin et al. 2024. PubMed ID: 38219857; supplementary data, Fujinami et al. 2019. PubMed ID: 29925512). This variant was also described in cohorts of individuals with Stargardt disease (Allikmets et al. 1997. PubMed ID: 9054934; Cornelis et al. 2022. PubMed ID: 25120629; Lewis et al. 1999. PubMed ID: 9973280; Maugeri et al. 1999. PubMed ID: 10090887). Functional studies indicate this variant results in reduced ATPase activity and also reduced substrate binding (Garces et al. 2020. PubMed ID: 33375396). This variant is present in 0.15% of alleles in individuals of Latino descent in gnomAD, indicating it is relatively common in this population. This variant is interpreted as likely pathogenic.

Women's Health and Genetics/Laboratory Corporation of America, LabCorp
Classification: Pathogenic for Stargardt disease. Last evaluated: 2026-02-16. Review status: criteria provided, single submitter. Criteria: LabCorp Variant Classification Summary - May 2015. Collection method: clinical testing. Allele origin: germline. Not counted in ClinVar's aggregate classification.
Comment: Variant summary: ABCA4 c.2453G>A (p.Gly818Glu) results in a non-conservative amino acid change in the encoded protein sequence. Algorithms developed to predict the effect of missense changes on protein structure and function all suggest that this variant is likely to be disruptive. The variant allele was found at a frequency of 4.2e-05 in 1614030 control chromosomes, predominantly at a frequency of 0.0011 within the Latino subpopulation in the gnomAD database. This frequency is not significantly higher than estimated for disease-causing variants in ABCA4, allowing no conclusion about variant significance. c.2453G>A has been observed in the homozygous and presumed compound heterozygous state in multiple individuals affected with Stargardt Disease (example, Chacon-Camacho_2024, Chacon-Camacho_2013, Cideciyan_2009) and in a large case/control cohort study, was determined to have an OR of 12.7 (CI 5.89-27.63), strongly suggesting there is a significantly increased risk of Stargardt disease in the presence of this variant. These data indicate that the variant is very likely to be associated with disease. At least one publication reports experimental evidence evaluating an impact on protein function. The most pronounced variant effect results in <10% of normal protein expression and ATP binding in vitro, however less impactful changes have also been reported in the same cell line (example, Garces_2000, Sun_2000). The following publications have been ascertained in the context of this evaluation (PMID: 39162841, 35120629, 23419329, 33375396, 19074458, 11017087). ClinVar contains an entry for this variant (Variation ID: 99135). Based on the evidence outlined above, the variant was classified as pathogenic.

3billion
Classification: Pathogenic for ABCA4-related disorder. Last evaluated: 2026-01-23. Review status: criteria provided, single submitter. Criteria: ACMG Guidelines, 2015. Collection method: clinical testing. Allele origin: germline. Affected: yes. Not counted in ClinVar's aggregate classification.
Comment: The variant is observed at an extremely low frequency in the gnomAD v4.1.0 dataset (total allele frequency: 0.004%). Predicted Consequence/Location: Missense variant In silico tool predictions suggest damaging effect of the variant on gene or gene product [REVEL: 0.94 (>=0.6, sensitivity 0.68 and specificity 0.92)]. The same nucleotide change resulting in the same amino acid change has been previously reported as pathogenic/likely pathogenic with strong evidence (ClinVar ID: VCV000099135 /PMID: 9054934 /3billion dataset). The variant has been reported to be in trans with a pathogenic variant as either compound heterozygous or homozygous in at least 2 similarly affected unrelated individuals (PMID: 17982420, 23419329). Different missense changes at the same codon (p.Gly818Ala, p.Gly818Arg, p.Gly818Val) have been reported to be associated with ABCA4-related disorder (ClinVar ID: VCV001804636, VCV002818781 /PMID: 35120629, 38927562, 39162841). Therefore, this variant is classified as Pathogenic according to the recommendation of ACMG/AMP guideline.

Labcorp Genetics (formerly Invitae), Labcorp
Classification: Pathogenic. Last evaluated: 2025-12-30. Review status: criteria provided, single submitter. Criteria: Invitae Variant Classification Sherloc (09022015). Collection method: clinical testing. Allele origin: germline. Not counted in ClinVar's aggregate classification.
Comment: This sequence change replaces glycine, which is neutral and non-polar, with glutamic acid, which is acidic and polar, at codon 818 of the ABCA4 protein (p.Gly818Glu). This variant is present in population databases (rs61750202, gnomAD 0.2%). This missense change has been observed in individual(s) with ABCA4-related retinal dystrophy (PMID: 9054934, 9973280, 10090887, 14709597, 23419329). In at least one individual the data is consistent with being in trans (on the opposite chromosome) from a pathogenic variant. ClinVar contains an entry for this variant (Variation ID: 99135). Invitae Evidence Modeling of protein sequence and biophysical properties (such as structural, functional, and spatial information, amino acid conservation, physicochemical variation, residue mobility, and thermodynamic stability) indicates that this missense variant is expected to disrupt ABCA4 protein function with a positive predictive value of 95%. Experimental studies have shown that this missense change affects ABCA4 function (PMID: 11017087). For these reasons, this variant has been classified as Pathogenic.

Blueprint Genetics
Classification: Pathogenic for ABCA4-related disorders. Last evaluated: 2024-06-03. Review status: criteria provided, single submitter. Criteria: ACMG Guidelines, 2015. Collection method: clinical testing. Allele origin: germline. Affected: yes. Observed: 5 variant alleles. Not counted in ClinVar's aggregate classification.

GeneDx
Classification: Pathogenic. Last evaluated: 2023-03-09. Review status: criteria provided, single submitter. Criteria: GeneDx Variant Classification Process June 2021. Collection method: clinical testing. Allele origin: germline. Affected: yes. Not counted in ClinVar's aggregate classification.
Comment: Published functional studies demonstrate impaired substrate binding capacity and limited substrate release after ATP binding (Garces et al., 2020); In silico analysis supports that this missense variant has a deleterious effect on protein structure/function; This variant is associated with the following publications: (PMID: 23419329, 9054934, 28044389, 14709597, 11328725, 9973280, 29925512, 30718709, 11017087, 33375396)

Department of Clinical Genetics, Copenhagen University Hospital, Rigshospitalet
Classification: Likely pathogenic for Stargardt disease. Last evaluated: 2018-04-01. Review status: no assertion criteria provided. Collection method: research. Allele origin: unknown. Affected: yes. Study: VeluxRD. Not counted in ClinVar's aggregate classification.

Retina International
No classification provided. Review status: no classification provided. Collection method: not provided. Allele origin: not provided. Not counted in ClinVar's aggregate classification.

Literature cited by the submitters: PubMed 23419329 (cited by 3 submitters); PubMed 11017087 (cited by Women's Health and Genetics/Laboratory Corporation of America, LabCorp and Labcorp Genetics (formerly Invitae), Labcorp); PubMed 33375396 (cited by Women's Health and Genetics/Laboratory Corporation of America, LabCorp); PubMed 35120629 (cited by Women's Health and Genetics/Laboratory Corporation of America, LabCorp and 3billion); PubMed 39162841 (cited by Women's Health and Genetics/Laboratory Corporation of America, LabCorp); PubMed 19074458 (cited by Women's Health and Genetics/Laboratory Corporation of America, LabCorp); PubMed 9054934 (cited by 3billion and Labcorp Genetics (formerly Invitae), Labcorp); PubMed 17982420 (cited by 3billion); PubMed 9973280 (cited by Labcorp Genetics (formerly Invitae), Labcorp); PubMed 10090887 (cited by Labcorp Genetics (formerly Invitae), Labcorp); PubMed 14709597 (cited by Labcorp Genetics (formerly Invitae), Labcorp); PubMed 30718709 (cited by Department of Clinical Genetics, Copenhagen University Hospital, Rigshospitalet).